The following is an entry in ClinVar:

NM_022042.4(SLC26A1):c.140G>A (p.Arg47Gln)

Genes: IDUA (alpha-L-iduronidase; plus strand), SLC26A1 (solute carrier family 26 member 1; minus strand). Cytogenetic location: 4p16.3.
Variant type: single nucleotide variant.
Coding change: c.140G>A on transcript NM_022042.4 (MANE Select); coding-DNA position 140, G replaced by A.
Protein change: p.Arg47Gln; replaces arginine 47 with glutamine.
Molecular consequence: missense variant. On other transcripts: intron variant (1).
Genome position (GRCh38, 1-based): chr4:991,564, C>T on the plus strand (G>A on the coding strand, the complement: SLC26A1 is on the minus strand). VCF-style: chr4-991564-C-T. GRCh37 (hg19) VCF-style: chr4-985352-C-T.
Other names: c.140G>A, p.Arg47Gln (NM_134425.4, NM_213613.4); c.299+3615C>T (NM_000203.5); short protein forms R47Q.
Identifiers: ClinVar variation 1425102 (VCV001425102.9), dbSNP rs778314762, ClinGen allele CA2801763.

ClinVar aggregate classification (germline): Uncertain significance. Review status: criteria provided, multiple submitters, no conflicts (2 of 4 stars). 2 submissions from 2 submitters: Uncertain significance (2). Last evaluated 2024-07-31.

Conditions:
Nephrolithiasis susceptibility caused by SLC26A1 (CAON1). Also called: NEPHROLITHIASIS, CALCIUM OXALATE, 1. Identifiers: MedGen C5779632, MONDO:0020722, OMIM 167030.
Hypersulfaturia (HYSULF). Identifiers: MedGen C5830511, MONDO:0957268, OMIM 620372.

Allele frequency attached by ClinVar (database versions not stated): gnomAD 0.00007; gnomAD exomes 0.00007 and 0.00009; ExAC 0.00010; TOPMed 0.00010.
gnomAD v4.1: 141 of 1,603,326 alleles (0.0088%); highest among the groups gnomAD compares: Non-Finnish European, 0.011%; no homozygotes.

Submissions (2):

Labcorp Genetics (formerly Invitae), Labcorp
Classification: Uncertain significance. Last evaluated: 2024-07-31. Review status: criteria provided, single submitter. Criteria: Invitae Variant Classification Sherloc (09022015). Collection method: clinical testing. Allele origin: germline.
Comment: This sequence change replaces arginine, which is basic and polar, with glutamine, which is neutral and polar, at codon 47 of the SLC26A1 protein (p.Arg47Gln). This variant is present in population databases (rs778314762, gnomAD 0.01%). This variant has not been reported in the literature in individuals affected with SLC26A1-related conditions. ClinVar contains an entry for this variant (Variation ID: 1425102). An algorithm developed to predict the effect of missense changes on protein structure and function outputs the following: PolyPhen-2: "Benign". The glutamine amino acid residue is found in multiple mammalian species, which suggests that this missense change does not adversely affect protein function. In summary, the available evidence is currently insufficient to determine the role of this variant in disease. Therefore, it has been classified as a Variant of Uncertain Significance.

Fulgent Genetics
Classification: Uncertain significance for Nephrolithiasis susceptibility caused by SLC26A1; Hypersulfaturia. Last evaluated: 2024-03-20. Review status: criteria provided, single submitter. Criteria: ACMG Guidelines, 2015. Collection method: clinical testing. Allele origin: germline.